The following is an entry in ClinVar:

NM_001377265.1(MAPT):c.1918G>C (p.Val640Leu)

Gene: MAPT (microtubule associated protein tau). Cytogenetic location: 17q21.31.
Variant type: single nucleotide variant.
Coding change: c.1918G>C on transcript NM_001377265.1 (MANE Select); coding-DNA position 1918, G replaced by C.
Protein change: p.Val640Leu; replaces valine 640 with leucine.
Molecular consequence: missense variant. On other transcripts: non-coding transcript variant (1).
Genome position (GRCh38, 1-based): chr17:45,996,584, G>C. VCF-style: chr17-45996584-G-C. GRCh37 (hg19) VCF-style: chr17-44073950-G-C.
Other names: c.1747G>C, p.Val583Leu (NM_001123066.4); c.655G>C, p.Val219Leu (NM_001123067.4, NM_001203251.2, NM_001377267.1); c.742G>C, p.Val248Leu (NM_001203252.2, NM_005910.6); c.1720G>C, p.Val574Leu (NM_001377266.1); c.568G>C, p.Val190Leu (NM_001377268.1, NM_016834.5, NM_016841.5); c.1693G>C, p.Val565Leu (NM_016835.5); short protein forms V565L, V583L, V190L, V219L, V574L, V248L, V640L.
Identifiers: ClinVar variation 2734762 (VCV002734762.3), dbSNP rs369217369, ClinGen allele CA8618058.

ClinVar aggregate classification (germline): Uncertain significance (1 of 4 stars; one submission).

Conditions:
Frontotemporal dementia (FTD1). Also called: Frontotemporal lobe dementia (FLDEM); Frontotemporal Dementia with Parkinsonism-17 (FTDP-17); WILHELMSEN-LYNCH DISEASE; FRONTOTEMPORAL DEMENTIA WITH PARKINSONISM; FRONTOTEMPORAL LOBE DEMENTIA; MULTIPLE SYSTEM TAUOPATHY WITH PRESENILE DEMENTIA. Identifiers: Orphanet 282, MedGen C0338451, MONDO:0017276, OMIM 600274, HP:0002145.

gnomAD v4.1: 10 of 1,610,812 alleles (0.00062%); highest among the groups gnomAD compares: Admixed American, 0.013%; 1 homozygote.

Submission:

Labcorp Genetics (formerly Invitae), Labcorp
Classification: Uncertain significance for Frontotemporal dementia. Last evaluated: 2023-01-10. Review status: criteria provided, single submitter. Criteria: Invitae Variant Classification Sherloc (09022015). Collection method: clinical testing. Allele origin: germline.
Comment: In summary, the available evidence is currently insufficient to determine the role of this variant in disease. Therefore, it has been classified as a Variant of Uncertain Significance. Advanced modeling of protein sequence and biophysical properties (such as structural, functional, and spatial information, amino acid conservation, physicochemical variation, residue mobility, and thermodynamic stability) performed at Invitae indicates that this missense variant is not expected to disrupt MAPT protein function. This variant has not been reported in the literature in individuals affected with MAPT-related conditions. This variant is present in population databases (rs369217369, gnomAD 0.03%), including at least one homozygous and/or hemizygous individual. This sequence change replaces valine, which is neutral and non-polar, with leucine, which is neutral and non-polar, at codon 248 of the MAPT protein (p.Val248Leu).